The following is an entry in ClinVar:

ClinVar aggregate classification (germline): Uncertain significance (1 of 4 stars; one submission).

Conditions:
Tuberous sclerosis 2 (TSC2). Identifiers: Orphanet 805, MedGen C1860707, MONDO:0013199, OMIM 613254.

Submission:

Labcorp Genetics (formerly Invitae), Labcorp
Classification: Uncertain significance for Tuberous sclerosis 2. Last evaluated: 2024-03-25. Review status: criteria provided, single submitter. Criteria: Invitae Variant Classification Sherloc (09022015). Collection method: clinical testing. Allele origin: germline.
Comment: This sequence change falls in intron 20 of the TSC2 gene. It does not directly change the encoded amino acid sequence of the TSC2 protein. This variant is not present in population databases (gnomAD no frequency). This variant has not been reported in the literature in individuals affected with TSC2-related conditions. ClinVar contains an entry for this variant (Variation ID: 2090489). Algorithms developed to predict the effect of sequence changes on RNA splicing suggest that this variant may disrupt the consensus splice site. In summary, the available evidence is currently insufficient to determine the role of this variant in disease. Therefore, it has been classified as a Variant of Uncertain Significance.

NM_000548.5(TSC2):c.2221-12T>G

Gene: TSC2 (TSC complex subunit 2; plus strand). Cytogenetic location: 16p13.3.
Variant type: single nucleotide variant.
Coding change: c.2221-12T>G on transcript NM_000548.5 (MANE Select); 12 bases into the intron before coding-DNA position 2221, T replaced by G.
Molecular consequence: intron variant.
Genome position (GRCh38, 1-based): chr16:2,072,837, T>G. VCF-style: chr16-2072837-T-G. GRCh37 (hg19) VCF-style: chr16-2122838-T-G.
Other names: c.2221-12T>G (NM_001114382.3, NM_021055.3, NM_001370405.1 and 3 more transcripts); c.2110-12T>G (NM_001318827.2); c.1621-12T>G (NM_001318831.2); c.2074-12T>G (NM_001318829.2); c.2254-12T>G (NM_001318832.2).
Identifiers: ClinVar variation 2090489 (VCV002090489.4), dbSNP rs2543760138, ClinGen allele CA2580090818.